The following is an entry in ClinVar:

ClinVar aggregate classification (germline): Uncertain significance (1 of 4 stars; one submission).

Conditions:
PCNT-related disorder. Also called: PCNT-related condition.

Submission:

PreventionGenetics, part of Exact Sciences
Classification: Uncertain significance for PCNT-related condition. Last evaluated: 2026-08-21. Review status: criteria provided, single submitter. Criteria: ACMG Guidelines, 2015. Collection method: clinical testing. Allele origin: germline.
Comment: The PCNT c.7494+4_7494+7delAGTG variant is predicted to result in an intronic deletion. This variant is predicted to alter splicing based on available splicing prediction programs (SpliceAI, Jaganathan et al. 2019. PubMed ID: 30661751). However, the use of computer prediction programs is not equivalent to functional evidence. To our knowledge, this variant has not been reported in the literature. This variant is reported in 0.0062% of alleles in individuals of African descent in gnomAD. Although we suspect that this variant may be pathogenic, at this time, the clinical significance of this variant is uncertain due to the absence of conclusive functional and genetic evidence.

NM_006031.6(PCNT):c.7494+4_7494+7del

Gene: PCNT (pericentrin; plus strand). Cytogenetic location: 21q22.3.
Variant type: Deletion.
Coding change: c.7494+4_7494+7del on transcript NM_006031.6 (MANE Select); bases 4 to 7 of the intron after coding-DNA position 7494, 4 bases deleted (AGTG; older notation c.7494+4_7494+7delAGTG).
Molecular consequence: splice donor variant.
Genome position (GRCh38, 1-based): chr21:46,427,799-46,427,802, AGTG deleted; deleting any 4 consecutive bases within chr21:46,427,796-46,427,802 gives the same sequence; the c. name uses the placement nearest the transcript's 3' end. VCF-style (leftmost placement, unchanged base first): chr21-46427795-GGTGA-G. GRCh37 (hg19) VCF-style: chr21-47847709-GGTGA-G.
Other names: c.7140+4_7140+7del (NM_001315529.2).
Identifiers: ClinVar variation 4995150 (VCV004995150.1).